The following is an entry in ClinVar:

NM_018112.3(TMEM38B):c.476C>T (p.Thr159Met)

Gene: TMEM38B (transmembrane protein 38B; plus strand). Cytogenetic location: 9q31.2.
Variant type: single nucleotide variant.
Coding change: c.476C>T on transcript NM_018112.3 (MANE Select); coding-DNA position 476, C replaced by T.
Protein change: p.Thr159Met; replaces threonine 159 with methionine.
Molecular consequence: missense variant.
Genome position (GRCh38, 1-based): chr9:105,722,555, C>T. VCF-style: chr9-105722555-C-T. GRCh37 (hg19) VCF-style: chr9-108484836-C-T.
Other names: c.476C>T (NM_018112.1); short protein forms T159M.
Identifiers: ClinVar variation 2899591 (VCV002899591.3), dbSNP rs199731690, ClinGen allele CA5170897.

ClinVar aggregate classification (germline): Uncertain significance. Review status: criteria provided, multiple submitters, no conflicts (2 of 4 stars). 2 submissions from 2 submitters: Uncertain significance (2). Last evaluated 2025-08-04.

Conditions:
Inborn genetic diseases. Identifiers: MedGen C0950123, MeSH D030342.

Allele frequency attached by ClinVar (database versions not stated): TOPMed 0.00002; gnomAD 0.00003; ExAC 0.00004; gnomAD exomes 0.00004; 1000 Genomes Project 30x 0.00031; 1000 Genomes Project 0.00040.
gnomAD v4.1: 72 of 1,613,414 alleles (0.0045%); highest among the groups gnomAD compares: South Asian, 0.011%; no homozygotes.

Submissions (2):

Ambry Genetics
Classification: Uncertain significance for Inborn genetic diseases. Last evaluated: 2025-08-04. Review status: criteria provided, single submitter. Criteria: Ambry Variant Classification Scheme 2023. Collection method: clinical testing. Allele origin: germline.

Labcorp Genetics (formerly Invitae), Labcorp
Classification: Uncertain significance. Last evaluated: 2023-11-10. Review status: criteria provided, single submitter. Criteria: Invitae Variant Classification Sherloc (09022015). Collection method: clinical testing. Allele origin: germline.
Comment: This sequence change replaces threonine, which is neutral and polar, with methionine, which is neutral and non-polar, at codon 159 of the TMEM38B protein (p.Thr159Met). This variant is present in population databases (rs199731690, gnomAD 0.007%). This variant has not been reported in the literature in individuals affected with TMEM38B-related conditions. An algorithm developed to predict the effect of missense changes on protein structure and function (PolyPhen-2) suggests that this variant is likely to be disruptive. In summary, the available evidence is currently insufficient to determine the role of this variant in disease. Therefore, it has been classified as a Variant of Uncertain Significance.